The following is an entry in ClinVar:

NM_013432.5(TONSL):c.692G>T (p.Cys231Phe)

Gene: TONSL (tonsoku like, DNA repair protein; minus strand). Cytogenetic location: 8q24.3.
Variant type: single nucleotide variant.
Coding change: c.692G>T on transcript NM_013432.5 (MANE Select); coding-DNA position 692, G replaced by T.
Protein change: p.Cys231Phe; replaces cysteine 231 with phenylalanine.
Molecular consequence: missense variant.
Genome position (GRCh38, 1-based): chr8:144,442,299, C>A on the plus strand (G>T on the coding strand, the complement: TONSL is on the minus strand). VCF-style: chr8-144442299-C-A. GRCh37 (hg19) VCF-style: chr8-145667682-C-A.
Other names: short protein forms C231F.
Identifiers: ClinVar variation 3662599 (VCV003662599.2).

ClinVar aggregate classification (germline): Uncertain significance (1 of 4 stars; one submission).

Submission:

Labcorp Genetics (formerly Invitae), Labcorp
Classification: Uncertain significance. Last evaluated: 2025-02-03. Review status: criteria provided, single submitter. Criteria: Invitae Variant Classification Sherloc (09022015). Collection method: clinical testing. Allele origin: germline.
Comment: This sequence change replaces cysteine, which is neutral and slightly polar, with phenylalanine, which is neutral and non-polar, at codon 231 of the TONSL protein (p.Cys231Phe). This variant is not present in population databases (gnomAD no frequency). This variant has not been reported in the literature in individuals affected with TONSL-related conditions. Invitae Evidence Modeling of protein sequence and biophysical properties (such as structural, functional, and spatial information, amino acid conservation, physicochemical variation, residue mobility, and thermodynamic stability) indicates that this missense variant is expected to disrupt TONSL protein function with a positive predictive value of 80%. In summary, the available evidence is currently insufficient to determine the role of this variant in disease. Therefore, it has been classified as a Variant of Uncertain Significance.